The following is an entry in ClinVar:

ClinVar aggregate classification (germline): Pathogenic. Review status: criteria provided, multiple submitters, no conflicts (2 of 4 stars). 2 submissions from 2 submitters: Pathogenic (2). Last evaluated 2026-04-19.

Conditions:
Congenital lipoid adrenal hyperplasia due to STAR deficency. Also called: Congenital Lipoid Adrenal Hyperplasia; Lipoid adrenal hyperplasia; ADRENAL HYPERPLASIA I; Cholesterol monooxygenase (side-chain cleaving) deficiency. Identifiers: Orphanet 418, Orphanet 90790, MedGen C0342474, MONDO:0008725, OMIM 201710.

Submissions (2):

Myriad Genetics, Inc.
Classification: Pathogenic for Congenital lipoid adrenal hyperplasia due to STAR deficency. Last evaluated: 2026-04-19. Review status: criteria provided, single submitter. Criteria: Myriad Autosomal Dominant, Autosomal Recessive and X-Linked Classification Criteria (2023). Collection method: clinical testing. Allele origin: unknown.
Comment: NM_000349.2(STAR):c.173_177del5(L58Rfs*11) is expected to be pathogenic in the context of lipoid congenital adrenal hyperplasia. This variant is predicted to lead to an abnormal or absent protein product due to the creation of a premature termination codon in STAR, a gene where loss-of-function variants are known to be pathogenic. Please note: this variant was assessed in the context of healthy population screening.

Labcorp Genetics (formerly Invitae), Labcorp
Classification: Pathogenic. Last evaluated: 2022-12-26. Review status: criteria provided, single submitter. Criteria: Invitae Variant Classification Sherloc (09022015). Collection method: clinical testing. Allele origin: germline.
Comment: For these reasons, this variant has been classified as Pathogenic. This variant has not been reported in the literature in individuals affected with STAR-related conditions. This variant is not present in population databases (gnomAD no frequency). This sequence change creates a premature translational stop signal (p.Leu58Argfs*11) in the STAR gene. It is expected to result in an absent or disrupted protein product. Loss-of-function variants in STAR are known to be pathogenic (PMID: 8948562).

Literature cited by the submitters: PubMed 8948562 (cited by Labcorp Genetics (formerly Invitae), Labcorp).

NM_000349.3(STAR):c.173_177del (p.Leu58fs)

Gene: STAR (steroidogenic acute regulatory protein; minus strand). Cytogenetic location: 8p11.23.
Variant type: Deletion.
Coding change: c.173_177del on transcript NM_000349.3 (MANE Select); coding-DNA positions 173 to 177, 5 bases deleted (TACTC; older notation c.173_177delTACTC).
Protein change: p.Leu58fs; shifts the reading frame from leucine 58.
Molecular consequence: frameshift variant.
Genome position (GRCh38, 1-based): chr8:38,148,642-38,148,646, GAGTA deleted on the plus strand (TACTC on the coding strand, the reverse complement: STAR is on the minus strand); deleting any 5 consecutive bases within chr8:38,148,642-38,148,649 gives the same sequence; the c. name uses the placement nearest the transcript's 3' end. VCF-style (leftmost placement, unchanged base first): chr8-38148641-CGAGTA-C. GRCh37 (hg19) VCF-style: chr8-38006159-CGAGTA-C.
Other names: short protein forms L58fs.
Identifiers: ClinVar variation 2824358 (VCV002824358.4), dbSNP rs2487068851, ClinGen allele CA2739278220.